The following is an entry in ClinVar:

ClinVar aggregate classification (germline): Uncertain significance (1 of 4 stars; one submission).

Conditions:
Hereditary spastic paraplegia 45. Also called: Spastic paraplegia 45, autosomal recessive; SPASTIC PARAPLEGIA 45. Identifiers: Orphanet 320396, MedGen C3888209, MONDO:0013165, OMIM 613162.

gnomAD v4.1: 1 of 1,614,036 alleles (0.000062%); highest among the groups gnomAD compares: African/African-American, 0.0013%; no homozygotes.

Submission:

Labcorp Genetics (formerly Invitae), Labcorp
Classification: Uncertain significance for Hereditary spastic paraplegia 45. Last evaluated: 2024-04-15. Review status: criteria provided, single submitter. Criteria: Invitae Variant Classification Sherloc (09022015). Collection method: clinical testing. Allele origin: germline.
Comment: This sequence change replaces tyrosine, which is neutral and polar, with histidine, which is basic and polar, at codon 470 of the NT5C2 protein (p.Tyr470His). This variant is not present in population databases (gnomAD no frequency). This variant has not been reported in the literature in individuals affected with NT5C2-related conditions. An algorithm developed to predict the effect of missense changes on protein structure and function (PolyPhen-2) suggests that this variant is likely to be tolerated. In summary, the available evidence is currently insufficient to determine the role of this variant in disease. Therefore, it has been classified as a Variant of Uncertain Significance.

NM_001351169.2(NT5C2):c.1408T>C (p.Tyr470His)

Gene: NT5C2 (5'-nucleotidase, cytosolic II; minus strand). Cytogenetic location: 10q24.32.
Variant type: single nucleotide variant.
Coding change: c.1408T>C on transcript NM_001351169.2 (MANE Select); coding-DNA position 1408, T replaced by C.
Protein change: p.Tyr470His; replaces tyrosine 470 with histidine.
Molecular consequence: missense variant.
Genome position (GRCh38, 1-based): chr10:103,090,652, A>G on the plus strand (T>C on the coding strand, the complement: NT5C2 is on the minus strand). VCF-style: chr10-103090652-A-G. GRCh37 (hg19) VCF-style: chr10-104850409-A-G.
Other names: c.1432T>C, p.Tyr478His (NM_001351170.2, NM_001351171.2, NM_001351172.2 and 1 more transcripts); c.835T>C, p.Tyr279His (NM_001351179.2, NM_001351180.2, NM_001351181.2 and 16 more transcripts); c.694T>C, p.Tyr232His (NM_001351194.2, NM_001351195.2, NM_001351196.2); c.1408T>C, p.Tyr470His (NM_012229.5, NM_001134373.3); c.1321T>C, p.Tyr441His (NM_001351174.1); c.1315T>C, p.Tyr439His (NM_001351175.2); short protein forms Y232H, Y279H, Y439H, Y441H, Y470H, Y478H.
Identifiers: ClinVar variation 3608726 (VCV003608726.2).
Genomic context (GRCh38, chr10:103,090,652, plus strand): 5'-CATTACAGCTTTAACTCACCAAGACATGGGCAGCCCTGAAGAGGTAGCTGAAAGGGTAAT[A>G]CAGCAGGTTGATGAAAGATGCTGCATAGAGGTCAGCATAACGCATCACTTGACTGGCAAA-3'
Protein context (NP_001338098.1, residues 460-480): LYAASFINLL[Tyr470His]YPFSYLFRAA